The following is an entry in ClinVar:

NM_000135.4(FANCA):c.2213C>G (p.Pro738Arg)

Gene: FANCA (FA complementation group A; minus strand). Cytogenetic location: 16q24.3.
Variant type: single nucleotide variant.
Coding change: c.2213C>G on transcript NM_000135.4 (MANE Select); coding-DNA position 2213, C replaced by G.
Protein change: p.Pro738Arg; replaces proline 738 with arginine.
Molecular consequence: missense variant.
Genome position (GRCh38, 1-based): chr16:89,770,573, G>C on the plus strand (C>G on the coding strand, the complement: FANCA is on the minus strand). VCF-style: chr16-89770573-G-C. GRCh37 (hg19) VCF-style: chr16-89836981-G-C.
Other names: c.2213C>G, p.Pro738Arg (NM_001286167.3); short protein forms P738R.
Identifiers: ClinVar variation 3668741 (VCV003668741.2).

ClinVar aggregate classification (germline): Uncertain significance (1 of 4 stars; one submission).

Conditions:
Fanconi anemia (FA). Also called: Fanconi's anemia. Identifiers: Orphanet 84, MedGen C0015625, MeSH D005199, MONDO:0019391.

Submission:

Labcorp Genetics (formerly Invitae), Labcorp
Classification: Uncertain significance for Fanconi anemia. Last evaluated: 2024-05-17. Review status: criteria provided, single submitter. Criteria: Invitae Variant Classification Sherloc (09022015). Collection method: clinical testing. Allele origin: germline.
Comment: This sequence change replaces proline, which is neutral and non-polar, with arginine, which is basic and polar, at codon 738 of the FANCA protein (p.Pro738Arg). This variant is present in population databases (rs762333391, gnomAD 0.006%). This variant has not been reported in the literature in individuals affected with FANCA-related conditions. Advanced modeling of protein sequence and biophysical properties (such as structural, functional, and spatial information, amino acid conservation, physicochemical variation, residue mobility, and thermodynamic stability) performed at Invitae indicates that this missense variant is expected to disrupt FANCA protein function with a positive predictive value of 80%. In summary, the available evidence is currently insufficient to determine the role of this variant in disease. Therefore, it has been classified as a Variant of Uncertain Significance.